The following is an entry in ClinVar:

NM_000093.5(COL5A1):c.2133+73G>A

Genes: COL5A1 (collagen type V alpha 1 chain; plus strand), LOC130002964 (ATAC-STARR-seq lymphoblastoid active region 29286; plus strand). Cytogenetic location: 9q34.3.
Variant type: single nucleotide variant.
Coding change: c.2133+73G>A on transcript NM_000093.5 (MANE Select); 73 bases into the intron after coding-DNA position 2133, G replaced by A.
Molecular consequence: intron variant.
Genome position (GRCh38, 1-based): chr9:134,766,571, G>A. VCF-style: chr9-134766571-G-A. GRCh37 (hg19) VCF-style: chr9-137658417-G-A.
Other names: c.2133+73G>A (NM_001278074.1).
Identifiers: ClinVar variation 670977 (VCV000670977.2), dbSNP rs41306800, ClinGen allele CA13137928.
Genomic context (GRCh38, chr9:134,766,571, plus strand): 5'-GGTCCCGTGGCCTGGCTTCAGGGGCACTTTCCCTGGGCACACTCCTTGCCTGGCTAGGGA[G>A]GTCCATCGCTGTCCACATCAGCTGGGAACATGAAGGGCAGGTTGCAGACCCTCTGCTGTG-3'

ClinVar aggregate classification (germline): Likely benign. Review status: criteria provided, multiple submitters, no conflicts (2 of 4 stars). 2 submissions from 2 submitters: Likely benign (2). Last evaluated 2018-06-14.

Allele frequency attached by ClinVar (database versions not stated): 1000 Genomes Project 0.00859; 1000 Genomes Project 30x 0.00921; TOPMed 0.02464; gnomAD 0.02649 and 0.02737; ESP Exome Variant Server 0.03482; gnomAD exomes 0.03977.
gnomAD v4.1: 55,880 of 1,466,672 alleles (3.8%); highest among the groups gnomAD compares: Non-Finnish European, 4.7%; 1,338 homozygotes.

Submissions (2):

GeneDx
Classification: Likely benign. Last evaluated: 2018-06-14. Review status: criteria provided, single submitter. Criteria: GeneDx Variant Classification (06012015). Collection method: clinical testing. Allele origin: germline. Affected: yes.
Comment: This variant is considered likely benign or benign based on one or more of the following criteria: it is a conservative change, it occurs at a poorly conserved position in the protein, it is predicted to be benign by multiple in silico algorithms, and/or has population frequency not consistent with disease.

Breakthrough Genomics
Classification: Likely benign. Review status: criteria provided, single submitter. Criteria: ACMG Guidelines, 2015. Collection method: not provided. Allele origin: germline. Inheritance: Autosomal dominant inheritance. Affected: yes.